The following is an entry in ClinVar:

ClinVar aggregate classification (germline): Uncertain significance (1 of 4 stars; one submission).

Conditions:
Hereditary cancer-predisposing syndrome. Also called: Neoplastic Syndromes, Hereditary; Hereditary neoplastic syndrome; Tumor predisposition; Hereditary Cancer Syndrome. Identifiers: Orphanet 140162, MedGen C0027672, MeSH D009386, MONDO:0015356.

Submission:

Ambry Genetics
Classification: Uncertain significance for Hereditary cancer-predisposing syndrome. Last evaluated: 2023-01-26. Review status: criteria provided, single submitter. Criteria: Ambry Variant Classification Scheme 2023. Collection method: clinical testing. Allele origin: germline.
Comment: The p.K999R variant (also known as c.2996A>G), located in coding exon 19 of the ATM gene, results from an A to G substitution at nucleotide position 2996. The lysine at codon 999 is replaced by arginine, an amino acid with highly similar properties. This amino acid position is poorly conserved in available vertebrate species. In addition, this alteration is predicted to be tolerated by in silico analysis. Since supporting evidence is limited at this time, the clinical significance of this alteration remains unclear.

NM_000051.4(ATM):c.2996A>G (p.Lys999Arg)

Gene: ATM (ATM serine/threonine kinase; plus strand). Cytogenetic location: 11q22.3.
Variant type: single nucleotide variant.
Coding change: c.2996A>G on transcript NM_000051.4 (MANE Select); coding-DNA position 2996, A replaced by G.
Protein change: p.Lys999Arg; replaces lysine 999 with arginine.
Molecular consequence: missense variant.
Genome position (GRCh38, 1-based): chr11:108,271,325, A>G. VCF-style: chr11-108271325-A-G. GRCh37 (hg19) VCF-style: chr11-108142052-A-G.
Other names: c.2996A>G, p.Lys999Arg (NM_001351834.2); short protein forms K999R.
Identifiers: ClinVar variation 2453959 (VCV002453959.2), dbSNP rs2135553098, ClinGen allele CA382547374.